The following is an entry in ClinVar:

NM_000785.4(CYP27B1):c.754C>T (p.Arg252Cys)

Gene: CYP27B1 (cytochrome P450 family 27 subfamily B member 1; minus strand). Cytogenetic location: 12q14.1.
Variant type: single nucleotide variant.
Coding change: c.754C>T on transcript NM_000785.4 (MANE Select); coding-DNA position 754, C replaced by T.
Protein change: p.Arg252Cys; replaces arginine 252 with cysteine.
Molecular consequence: missense variant.
Genome position (GRCh38, 1-based): chr12:57,765,047, G>A on the plus strand (C>T on the coding strand, the complement: CYP27B1 is on the minus strand). VCF-style: chr12-57765047-G-A. GRCh37 (hg19) VCF-style: chr12-58158830-G-A.
Other names: short protein forms R252C.
Identifiers: ClinVar variation 5004042 (VCV005004042.1).
Genomic context (GRCh38, chr12:57,765,047, plus strand): 5'-TTTCCACCTCGACCTGTGCCTTACCAAATGCAAACATCTGGTCCCAGTCTCGGCAGAGGC[G>A]GCCCCAGGGCCCAGGCACAAGGTGGCGCAGCCAGTGGGGCATCGCCATGGTCAACAGCGT-3'
Protein context (NP_000776.1, residues 242-262): LRHLVPGPWG[Arg252Cys]LCRDWDQMFA

ClinVar aggregate classification (germline): Uncertain significance (1 of 4 stars; one submission).

Conditions:
Vitamin D-dependent rickets, type 1A. Also called: PDDR IA; PSEUDOVITAMIN D-DEFICIENCY RICKETS, TYPE IA; VITAMIN D HYDROXYLATION-DEFICIENT RICKETS, TYPE 1A. Identifiers: MedGen CN283242, MONDO:0020723, OMIM 264700.

Submission:

Myriad Genetics, Inc.
Classification: Uncertain significance for Vitamin D-dependent rickets, type 1A. Last evaluated: 2026-08-26. Review status: criteria provided, single submitter. Criteria: Myriad Autosomal Dominant, Autosomal Recessive and X-Linked Classification Criteria (2023). Collection method: clinical testing. Allele origin: unknown.
Comment: NM_000785.3(CYP27B1):c.754C>T(R252C) is a missense variant classified as a variant of uncertain significance in the context of vitamin D-dependent rickets, CYP27B1-related. R252C has not been observed in cases with relevant disease. Relevant functional assessments of this variant are not available in the literature. R252C has not been observed in referenced population frequency databases. In summary, there is insufficient evidence to classify NM_000785.3(CYP27B1):c.754C>T(R252C) as pathogenic or benign. Please note: this variant was assessed in the context of healthy population screening.